The following is an entry in ClinVar:

ClinVar aggregate classification (germline): Uncertain significance. Review status: criteria provided, multiple submitters, no conflicts (2 of 4 stars). 2 submissions from 2 submitters: Uncertain significance (2). Last evaluated 2026-02-24.

Conditions:
Inborn genetic diseases. Identifiers: MedGen C0950123, MeSH D030342.
Autoimmune lymphoproliferative syndrome type 1. Also called: AUTOIMMUNE LYMPHOPROLIFERATIVE SYNDROME, TYPE I, AUTOSOMAL DOMINANT. Identifiers: Orphanet 3261, MedGen C2717884, MONDO:0011158, OMIM 601859.

Allele frequency attached by ClinVar (database versions not stated): gnomAD exomes below 0.00001 and 0.00001.
gnomAD v4.1: 10 of 1,613,844 alleles (0.00062%); highest among the groups gnomAD compares: Non-Finnish European, 0.00085%; no homozygotes.

Submissions (2):

Ambry Genetics
Classification: Uncertain significance for Inborn genetic diseases. Last evaluated: 2026-02-24. Review status: criteria provided, single submitter. Criteria: Ambry Variant Classification Scheme 2023. Collection method: clinical testing. Allele origin: germline.

Labcorp Genetics (formerly Invitae), Labcorp
Classification: Uncertain significance for Autoimmune lymphoproliferative syndrome. Last evaluated: 2024-11-05. Review status: criteria provided, single submitter. Criteria: Invitae Variant Classification Sherloc (09022015). Collection method: clinical testing. Allele origin: germline.
Comment: This sequence change replaces alanine, which is neutral and non-polar, with threonine, which is neutral and polar, at codon 301 of the FAS protein (p.Ala301Thr). This variant is present in population databases (no rsID available, gnomAD 0.0009%). This variant has not been reported in the literature in individuals affected with FAS-related conditions. ClinVar contains an entry for this variant (Variation ID: 943246). An algorithm developed to predict the effect of missense changes on protein structure and function outputs the following: PolyPhen-2: "Probably Damaging". The threonine amino acid residue is found in multiple mammalian species, which suggests that this missense change does not adversely affect protein function. In summary, the available evidence is currently insufficient to determine the role of this variant in disease. Therefore, it has been classified as a Variant of Uncertain Significance.

NM_000043.6(FAS):c.901G>A (p.Ala301Thr)

Gene: FAS (Fas cell surface death receptor; plus strand). Cytogenetic location: 10q23.31.
Variant type: single nucleotide variant.
Coding change: c.901G>A on transcript NM_000043.6 (MANE Select); coding-DNA position 901, G replaced by A.
Protein change: p.Ala301Thr; replaces alanine 301 with threonine.
Molecular consequence: missense variant. On other transcripts: 3 prime UTR variant (2), non-coding transcript variant (7).
Genome position (GRCh38, 1-based): chr10:89,014,343, G>A. VCF-style: chr10-89014343-G-A. GRCh37 (hg19) VCF-style: chr10-90774100-G-A.
Other names: c.*224G>A (NM_001320619.2); c.838G>A, p.Ala280Thr (NM_152871.4); c.*213G>A (NM_152872.4); c.901G>A (NM_000043.4); short protein forms A301T, A280T.
Identifiers: ClinVar variation 943246 (VCV000943246.8), dbSNP rs1449711911, ClinGen allele CA377510071.